The following is an entry in ClinVar:

ClinVar aggregate classification (germline): Likely benign. Review status: criteria provided, single submitter (1 of 4 stars). 2 submissions from 2 submitters: Likely benign (1). 1 of the submissions does not count toward it. Last evaluated 2023-03-01.

Conditions:
MN1-related disorder. Also called: MN1-related condition.

Allele frequency attached by ClinVar (database versions not stated): TOPMed 0.00014; gnomAD 0.00015; gnomAD exomes 0.00032; ExAC 0.00071.
gnomAD v4.1: 473 of 1,557,982 alleles (0.03%); highest among the groups gnomAD compares: South Asian, 0.14%; 3 homozygotes.

Submissions (2):

CeGaT Center for Human Genetics Tuebingen
Classification: Likely benign. Last evaluated: 2023-03-01. Review status: criteria provided, single submitter. Criteria: CeGaT Center For Human Genetics Tuebingen Variant Classification Criteria Version 2. Collection method: clinical testing. Allele origin: germline. Affected: yes. Observed: 1 variant allele.
Comment: MN1: BP4, BP7

PreventionGenetics, part of Exact Sciences
Classification: Likely benign for MN1-related condition. Last evaluated: 2019-02-21. Review status: no assertion criteria provided. Collection method: clinical testing. Allele origin: germline. Not counted in ClinVar's aggregate classification.
Comment: This variant is classified as likely benign based on ACMG/AMP sequence variant interpretation guidelines (Richards et al. 2015 PMID: 25741868, with internal and published modifications).

NM_002430.3(MN1):c.3357C>T (p.Gly1119=)

Gene: MN1 (MN1 proto-oncogene, transcriptional regulator; minus strand). Cytogenetic location: 22q12.1.
Variant type: single nucleotide variant.
Coding change: c.3357C>T on transcript NM_002430.3 (MANE Select); coding-DNA position 3357, C replaced by T.
Protein change: p.Gly1119=; no amino-acid change (glycine 1119 retained).
Molecular consequence: synonymous variant.
Genome position (GRCh38, 1-based): chr22:27,797,187, G>A on the plus strand (C>T on the coding strand, the complement: MN1 is on the minus strand). VCF-style: chr22-27797187-G-A. GRCh37 (hg19) VCF-style: chr22-28193175-G-A.
Other names: c.3357C>T (NM_002430.2).
Identifiers: ClinVar variation 2653014 (VCV002653014.25), dbSNP rs778126684, ClinGen allele CA10166074.